The following is an entry in ClinVar:

ClinVar aggregate classification (germline): Uncertain significance. Review status: criteria provided, single submitter (1 of 4 stars). 2 submissions from 2 submitters: Uncertain significance (1). 1 of the submissions does not count toward it. Last evaluated 2020-10-09.

Conditions:
TMEM67-related disorder. Also called: TMEM67-related condition; TMEM67-related disorders. Identifiers: MedGen CN239423.

Submissions (2):

Blueprint Genetics
Classification: Uncertain significance. Last evaluated: 2020-10-09. Review status: criteria provided, single submitter. Criteria: ACMG Guidelines, 2015. Collection method: clinical testing. Allele origin: germline.

PreventionGenetics, part of Exact Sciences
Classification: Uncertain significance for TMEM67-related condition. Last evaluated: 2024-09-18. Review status: no assertion criteria provided. Collection method: clinical testing. Allele origin: germline. Not counted in ClinVar's aggregate classification.
Comment: The TMEM67 c.412A>G variant is predicted to result in the amino acid substitution p.Arg138Gly. To our knowledge, this variant has not been reported in the literature. This variant is reported in 0.012% of alleles in individuals of African descent in gnomAD. At this time, the clinical significance of this variant is uncertain due to the absence of conclusive functional and genetic evidence.

NM_153704.6(TMEM67):c.412A>G (p.Arg138Gly)

Gene: TMEM67 (transmembrane protein 67; plus strand). Cytogenetic location: 8q22.1.
Variant type: single nucleotide variant.
Coding change: c.412A>G on transcript NM_153704.6 (MANE Select); coding-DNA position 412, A replaced by G.
Protein change: p.Arg138Gly; replaces arginine 138 with glycine.
Molecular consequence: missense variant. On other transcripts: non-coding transcript variant (1).
Genome position (GRCh38, 1-based): chr8:93,763,847, A>G. VCF-style: chr8-93763847-A-G. GRCh37 (hg19) VCF-style: chr8-94776075-A-G.
Other names: c.169A>G, p.Arg57Gly (NM_001142301.1); short protein forms R57G, R138G.
Identifiers: ClinVar variation 3356180 (VCV003356180.2).